The following is an entry in ClinVar:

ClinVar aggregate classification (germline): Pathogenic. Review status: reviewed by expert panel (3 of 4 stars). 2 submissions from 2 submitters: Pathogenic (1). 1 of the submissions does not count toward it. Last evaluated 2017-12-15.

Conditions:
Breast-ovarian cancer, familial, susceptibility to, 1 (BROVCA1). Also called: BRCA1 Hereditary Breast and Ovarian Cancer; OVARIAN CANCER, SUSCEPTIBILITY TO. Identifiers: Orphanet 145, MedGen C2676676, MONDO:0011450, OMIM 604370. Disease mechanism: loss of function.
Malignant tumor of breast. Also called: Malignant breast neoplasm; Cancer breast. Identifiers: MedGen C0006142, MONDO:0007254. Disease mechanism: loss of function.

Submissions (3):

Evidence-based Network for the Interpretation of Germline Mutant Alleles (ENIGMA)
Classification: Pathogenic for Breast-ovarian cancer, familial, susceptibility to, 1. Last evaluated: 2017-12-15. Review status: reviewed by expert panel. Criteria: ENIGMA BRCA1/2 Classification Criteria (2017-06-29). Collection method: curation. Allele origin: germline. Study: ENIGMA.
Comment: Variant allele predicted to encode a truncated non-functional protein.

Brotman Baty Institute, University of Washington
No classification provided (evidence only). Condition: Breast-ovarian cancer, familial 1. Review status: no classification provided. Collection method: in vitro. Allele origin: not applicable. Functional consequence: functionally_abnormal. Not counted in ClinVar's aggregate classification.
ClinVar note: "not provided" was previously submitted as the classification for the variant. However, the classification appeared to be based only on an observation of functional data so it was converted to no classification on 2025-07-30.

Department of Pathology and Laboratory Medicine, Sinai Health System
Classification: Uncertain significance for Malignant tumor of breast. Review status: no assertion criteria provided. Collection method: clinical testing. Allele origin: unknown. Affected: yes. Study: The Canadian Open Genetics Repository (COGR). Not counted in ClinVar's aggregate classification.

NM_007294.4(BRCA1):c.5380G>T (p.Glu1794Ter)

Gene: BRCA1 (BRCA1 DNA repair associated; minus strand). Cytogenetic location: 17q21.31.
Variant type: single nucleotide variant.
Coding change: c.5380G>T on transcript NM_007294.4 (MANE Select); coding-DNA position 5380, G replaced by T.
Protein change: p.Glu1794Ter; replaces glutamic acid 1794 with a stop codon.
Molecular consequence: nonsense. On other transcripts: non-coding transcript variant (1), intron variant (1).
Genome position (GRCh38, 1-based): chr17:43,049,147, C>A on the plus strand (G>T on the coding strand, the complement: BRCA1 is on the minus strand). VCF-style: chr17-43049147-C-A. GRCh37 (hg19) VCF-style: chr17-41201164-C-A.
Other names: c.5167G>T, p.Glu1723Ter (NM_001407571.1, NM_001407894.1, NM_001407895.1 and 12 more transcripts); c.5446G>T, p.Glu1816Ter (NM_001407581.1, NM_001407582.1); c.5443G>T, p.Glu1815Ter (NM_001407583.1, NM_001407585.1, NM_001407587.1 and 1 more transcripts); c.5440G>T, p.Glu1814Ter (NM_001407590.1, NM_001407591.1); c.5380G>T, p.Glu1794Ter (NM_001407593.1, NM_001407594.1, NM_001407596.1 and 5 more transcripts); c.5377G>T, p.Glu1793Ter (NM_001407616.1, NM_001407617.1, NM_001407618.1 and 14 more transcripts); c.5374G>T, p.Glu1792Ter (NM_001407635.1, NM_001407636.1, NM_001407637.1 and 13 more transcripts); c.5371G>T, p.Glu1791Ter (NM_001407644.1, NM_001407645.1); and 73 more; short protein forms E1794*, E1815*, E1747*, E690*, E1625*, E1640*, E1705*, E1724*.
Identifiers: ClinVar variation 433733 (VCV000433733.5), dbSNP rs776323117, ClinGen allele CA10590712.